The following is an entry in ClinVar:

NM_005188.4(CBL):c.1834A>G (p.Arg612Gly)

Gene: CBL (Cbl proto-oncogene; plus strand). Cytogenetic location: 11q23.3.
Variant type: single nucleotide variant.
Coding change: c.1834A>G on transcript NM_005188.4 (MANE Select); coding-DNA position 1834, A replaced by G.
Protein change: p.Arg612Gly; replaces arginine 612 with glycine.
Molecular consequence: missense variant.
Genome position (GRCh38, 1-based): chr11:119,285,459, A>G. VCF-style: chr11-119285459-A-G. GRCh37 (hg19) VCF-style: chr11-119156169-A-G.
Other names: short protein forms R612G.
Identifiers: ClinVar variation 2452998 (VCV002452998.6), dbSNP rs764845853, ClinGen allele CA6318614.

ClinVar aggregate classification (germline): Uncertain significance. Review status: criteria provided, multiple submitters, no conflicts (2 of 4 stars). 3 submissions from 3 submitters: Uncertain significance (3). Last evaluated 2026-01-14.

Conditions:
RASopathy. Also called: rasopathies; Noonan spectrum disorder. Identifiers: Orphanet 536391, MedGen C5555857, MONDO:0021060.
Cardiovascular phenotype. Identifiers: MedGen CN230736.

Allele frequency attached by ClinVar (database versions not stated): gnomAD exomes below 0.00001; ExAC 0.00001; TOPMed 0.00001; gnomAD 0.00003.
gnomAD v4.1: 6 of 1,614,004 alleles (0.00037%); highest among the groups gnomAD compares: African/African-American, 0.008%; no homozygotes.

Submissions (3):

Labcorp Genetics (formerly Invitae), Labcorp
Classification: Uncertain significance for RASopathy. Last evaluated: 2026-01-14. Review status: criteria provided, single submitter. Criteria: Invitae Variant Classification Sherloc (09022015). Collection method: clinical testing. Allele origin: germline.
Comment: This sequence change replaces arginine, which is basic and polar, with glycine, which is neutral and non-polar, at codon 612 of the CBL protein (p.Arg612Gly). This variant is present in population databases (rs764845853, gnomAD 0.007%). This variant has not been reported in the literature in individuals affected with CBL-related conditions. ClinVar contains an entry for this variant (Variation ID: 2452998). Invitae Evidence Modeling of protein sequence and biophysical properties (such as structural, functional, and spatial information, amino acid conservation, physicochemical variation, residue mobility, and thermodynamic stability) indicates that this missense variant is not expected to disrupt CBL protein function with a negative predictive value of 95%. In summary, the available evidence is currently insufficient to determine the role of this variant in disease. Therefore, it has been classified as a Variant of Uncertain Significance.

Ambry Genetics
Classification: Uncertain significance for Cardiovascular phenotype. Last evaluated: 2023-03-05. Review status: criteria provided, single submitter. Criteria: Ambry Variant Classification Scheme 2023. Collection method: clinical testing. Allele origin: germline.
Comment: The p.R612G variant (also known as c.1834A>G), located in coding exon 11 of the CBL gene, results from an A to G substitution at nucleotide position 1834. The arginine at codon 612 is replaced by glycine, an amino acid with dissimilar properties. This amino acid position is conserved. In addition, the in silico prediction for this alteration is inconclusive. Since supporting evidence is limited at this time, the clinical significance of this alteration remains unclear.

Blueprint Genetics
Classification: Uncertain significance. Last evaluated: 2022-10-28. Review status: criteria provided, single submitter. Criteria: ACMG Guidelines, 2015. Collection method: clinical testing. Allele origin: germline.